The following is an entry in ClinVar:

NM_201253.3(CRB1):c.308G>T (p.Ser103Ile)

Gene: CRB1 (crumbs cell polarity complex component 1; plus strand). Cytogenetic location: 1q31.3.
Variant type: single nucleotide variant.
Coding change: c.308G>T on transcript NM_201253.3 (MANE Select); coding-DNA position 308, G replaced by T.
Protein change: p.Ser103Ile; replaces serine 103 with isoleucine.
Molecular consequence: missense variant. On other transcripts: non-coding transcript variant (2).
Genome position (GRCh38, 1-based): chr1:197,328,659, G>T. VCF-style: chr1-197328659-G-T. GRCh37 (hg19) VCF-style: chr1-197297789-G-T.
Other names: c.308G>T, p.Ser103Ile (NM_001193640.2, NM_001257966.2); c.101G>T, p.Ser34Ile (NM_001257965.2); short protein forms S103I, S34I.
Identifiers: ClinVar variation 858617 (VCV000858617.7), dbSNP rs116254396, ClinGen allele CA344085490.
Genomic context (GRCh38, chr1:197,328,659, plus strand): 5'-CCACTTGTGTGAACACCCCAGGAGAAAGGAGCTTTCTGTGCAAATGTCCTCCTGGGTACA[G>T]TGGGACAATCTGTGAAACTACCATTGGTTCCTGTGGCAAGAACTCCTGCCAACATGGAGG-3'
Protein context (NP_957705.1, residues 93-113): SFLCKCPPGY[Ser103Ile]GTICETTIGS

ClinVar aggregate classification (germline): Uncertain significance (1 of 4 stars; one submission).

Conditions:
Leber congenital amaurosis 8 (LCA8). Identifiers: Orphanet 65, MedGen C3151202, MONDO:0013453, OMIM 613835.
Retinitis pigmentosa 12 (RP12). Also called: RP WITH OR WITHOUT PPRPE; RP WITH OR WITHOUT PRESERVED PARAARTERIOLE RETINAL PIGMENT EPITHELIUM; RETINITIS PIGMENTOSA WITH OR WITHOUT PARAARTERIOLAR PRESERVATION OF RETINAL PIGMENT EPITHELIUM. Identifiers: Orphanet 791, MedGen C1838647, MONDO:0010818, OMIM 600105.

Submission:

Labcorp Genetics (formerly Invitae), Labcorp
Classification: Uncertain significance for Leber congenital amaurosis 8; Retinitis pigmentosa 12. Last evaluated: 2021-11-09. Review status: criteria provided, single submitter. Criteria: Invitae Variant Classification Sherloc (09022015). Collection method: clinical testing. Allele origin: germline.
Comment: This sequence change replaces serine, which is neutral and polar, with isoleucine, which is neutral and non-polar, at codon 103 of the CRB1 protein (p.Ser103Ile). In summary, the available evidence is currently insufficient to determine the role of this variant in disease. Therefore, it has been classified as a Variant of Uncertain Significance. Algorithms developed to predict the effect of missense changes on protein structure and function (SIFT, PolyPhen-2, Align-GVGD) all suggest that this variant is likely to be disruptive. ClinVar contains an entry for this variant (Variation ID: 858617). This variant has not been reported in the literature in individuals affected with CRB1-related conditions. This variant is not present in population databases (gnomAD no frequency).